The following is an entry in ClinVar:

ClinVar aggregate classification (germline): Uncertain significance (1 of 4 stars; one submission).

Allele frequency attached by ClinVar (database versions not stated): gnomAD exomes below 0.00001; gnomAD 0.00002; TOPMed 0.00002.
gnomAD v4.1: 6 of 1,613,662 alleles (0.00037%); highest among the groups gnomAD compares: Admixed American, 0.005%; no homozygotes.

Submission:

Labcorp Genetics (formerly Invitae), Labcorp
Classification: Uncertain significance. Last evaluated: 2024-03-16. Review status: criteria provided, single submitter. Criteria: Invitae Variant Classification Sherloc (09022015). Collection method: clinical testing. Allele origin: germline.
Comment: This sequence change replaces glutamine, which is neutral and polar, with arginine, which is basic and polar, at codon 828 of the C7 protein (p.Gln828Arg). This variant is not present in population databases (gnomAD no frequency). This variant has not been reported in the literature in individuals affected with C7-related conditions. ClinVar contains an entry for this variant (Variation ID: 1934033). Advanced modeling of protein sequence and biophysical properties (such as structural, functional, and spatial information, amino acid conservation, physicochemical variation, residue mobility, and thermodynamic stability) performed at Invitae indicates that this missense variant is not expected to disrupt C7 protein function with a negative predictive value of 80%. In summary, the available evidence is currently insufficient to determine the role of this variant in disease. Therefore, it has been classified as a Variant of Uncertain Significance.

NM_000587.4(C7):c.2483A>G (p.Gln828Arg)

Gene: C7 (complement C7; plus strand). Cytogenetic location: 5p13.1.
Variant type: single nucleotide variant.
Coding change: c.2483A>G on transcript NM_000587.4 (MANE Select); coding-DNA position 2483, A replaced by G.
Protein change: p.Gln828Arg; replaces glutamine 828 with arginine.
Molecular consequence: missense variant.
Genome position (GRCh38, 1-based): chr5:40,981,524, A>G. VCF-style: chr5-40981524-A-G. GRCh37 (hg19) VCF-style: chr5-40981626-A-G.
Other names: short protein forms Q828R.
Identifiers: ClinVar variation 1934033 (VCV001934033.4), dbSNP rs1740944426, ClinGen allele CA359596534.